The following is an entry in ClinVar:

NM_000428.3(LTBP2):c.3852C>T (p.Arg1284=)

Gene: LTBP2 (latent transforming growth factor beta binding protein 2; minus strand). Cytogenetic location: 14q24.3.
Variant type: single nucleotide variant.
Coding change: c.3852C>T on transcript NM_000428.3 (MANE Select); coding-DNA position 3852, C replaced by T.
Protein change: p.Arg1284=; no amino-acid change (arginine 1284 retained).
Molecular consequence: synonymous variant.
Genome position (GRCh38, 1-based): chr14:74,507,234, G>A on the plus strand (C>T on the coding strand, the complement: LTBP2 is on the minus strand). VCF-style: chr14-74507234-G-A. GRCh37 (hg19) VCF-style: chr14-74973937-G-A.
Identifiers: ClinVar variation 784290 (VCV000784290.17), dbSNP rs61736977, ClinGen allele CA7269013.
Genomic context (GRCh38, chr14:74,507,234, plus strand): 5'-CTCACCAATGCAGTCTCCGTTCGGGGCCATGTGGAAGCCAGGCTGGCAGCCCAGAACACA[G>A]CGGTAGGAGCCAGGGCTGTTTTCACACTTCCAGGTGCCACACACCGGGTCTCCATAGTCC-3'
Protein context (NP_000419.1, residues 1274-1294): WKCENSPGSY[Arg1284=]CVLGCQPGFH

ClinVar aggregate classification (germline): Benign/Likely benign. Review status: criteria provided, multiple submitters, no conflicts (2 of 4 stars). 5 submissions from 4 submitters: Benign (3); Likely benign (2). Last evaluated 2026-02-02.

Conditions:
Glaucoma 3, primary congenital, D. Identifiers: Orphanet 98976, MedGen C2751316, MONDO:0013122, OMIM 613086.
Weill-Marchesani syndrome. Also called: WM Syndrome; Mesodermal dysmorphodystrophy congenital. Identifiers: Orphanet 3449, MedGen C0265313, MONDO:0018096.

Allele frequency attached by ClinVar (database versions not stated): gnomAD exomes 0.00148 and 0.00370; ExAC 0.00463; gnomAD 0.01531 and 0.01652; 1000 Genomes Project 0.01617; TOPMed 0.01720; ESP Exome Variant Server 0.01753; 1000 Genomes Project 30x 0.01827.
gnomAD v4.1: 4,592 of 1,614,208 alleles (0.28%); highest among the groups gnomAD compares: African/African-American, 5.5%; 128 homozygotes.

Submissions (5):

Labcorp Genetics (formerly Invitae), Labcorp
Classification: Benign. Last evaluated: 2026-02-02. Review status: criteria provided, single submitter. Criteria: Invitae Variant Classification Sherloc (09022015). Collection method: clinical testing. Allele origin: germline.

GeneDx
Classification: Benign. Last evaluated: 2019-04-12. Review status: criteria provided, single submitter. Criteria: GeneDx Variant Classification Process June 2021. Collection method: clinical testing. Allele origin: germline. Affected: yes.

Illumina Laboratory Services, Illumina
Classification: Likely benign for Glaucoma 3, primary congenital, D. Last evaluated: 2018-01-12. Review status: criteria provided, single submitter. Criteria: ICSL Variant Classification Criteria 13 December 2019. Collection method: clinical testing. Allele origin: germline.
Comment: This variant was observed in the ICSL laboratory as part of a predisposition screen in an ostensibly healthy population. It had not been previously curated by ICSL or reported in the Human Gene Mutation Database (HGMD: prior to June 1st, 2018), and was therefore a candidate for classification through an automated scoring system. Utilizing variant allele frequency, disease prevalence and penetrance estimates, and inheritance mode, an automated score was calculated to assess if this variant is too frequent to cause the disease. Based on the score and internal cut-off values, a variant classified as likely benign is not then subjected to further curation. The score for this variant resulted in a classification of likely benign for this disease.

Illumina Laboratory Services, Illumina
Classification: Benign for Weill-Marchesani syndrome. Last evaluated: 2018-01-12. Review status: criteria provided, single submitter. Criteria: ICSL Variant Classification Criteria 13 December 2019. Collection method: clinical testing. Allele origin: germline.
Comment: This variant was observed in the ICSL laboratory as part of a predisposition screen in an ostensibly healthy population. It had not been previously curated by ICSL or reported in the Human Gene Mutation Database (HGMD: prior to June 1st, 2018), and was therefore a candidate for classification through an automated scoring system. Utilizing variant allele frequency, disease prevalence and penetrance estimates, and inheritance mode, an automated score was calculated to assess if this variant is too frequent to cause the disease. Based on the score and internal cut-off values, a variant classified as benign is not then subjected to further curation. The score for this variant resulted in a classification of benign for this disease.

Breakthrough Genomics
Classification: Likely benign. Review status: criteria provided, single submitter. Criteria: ACMG Guidelines, 2015. Collection method: not provided. Allele origin: germline. Inheritance: Autosomal recessive inheritance. Affected: yes.